The following is an entry in ClinVar:

NM_001723.7(DST):c.5089C>T (p.Arg1697Cys)

Gene: DST (dystonin; minus strand). Cytogenetic location: 6p12.1.
Variant type: single nucleotide variant.
Coding change: c.5089C>T on transcript NM_001723.7 (MANE Plus Clinical); coding-DNA position 5089, C replaced by T.
Protein change: p.Arg1697Cys; replaces arginine 1697 with cysteine.
Molecular consequence: missense variant. On other transcripts: intron variant (10).
Genome position (GRCh38, 1-based): chr6:56,618,945, G>A on the plus strand (C>T on the coding strand, the complement: DST is on the minus strand). VCF-style: chr6-56618945-G-A. GRCh37 (hg19) VCF-style: chr6-56483743-G-A.
Other names: c.4831-4461C>T (NM_001144769.5); c.4930-4461C>T (NM_001374722.1, NM_001374736.1); c.4957-4461C>T (NM_001374734.1); c.4417-4461C>T (NM_001144770.2); c.4297-4461C>T (NM_001374730.1, NM_001386100.1, NM_183380.4 and 1 more transcripts); c.3319-4461C>T (NM_015548.5); short protein forms R1697C.
Identifiers: ClinVar variation 1387185 (VCV001387185.5), dbSNP rs762686142, ClinGen allele CA3870421.

ClinVar aggregate classification (germline): Uncertain significance (1 of 4 stars; one submission).

Conditions:
Hereditary sensory and autonomic neuropathy type 6. Also called: HSAN VI; Neuropathy, hereditary sensory and autonomic, type VI. Identifiers: Orphanet 314381, MedGen C3539003, MONDO:0013839, OMIM 614653.
Epidermolysis bullosa simplex 3, localized or generalized intermediate, with BP230 deficiency (EBS3). Also called: Epidermolysis bullosa simplex due to BP230 deficiency; Epidermolysis bullosa simplex, autosomal recessive 2. Identifiers: Orphanet 412181, MedGen C3809470, MONDO:0014180, OMIM 615425.

Allele frequency attached by ClinVar (database versions not stated): gnomAD 0.00001; gnomAD exomes 0.00001 and 0.00002; ExAC 0.00002.
gnomAD v4.1: 28 of 1,613,962 alleles (0.0017%); highest among the groups gnomAD compares: East Asian, 0.0022%; no homozygotes.

Submission:

Labcorp Genetics (formerly Invitae), Labcorp
Classification: Uncertain significance for Epidermolysis bullosa simplex 3, localized or generalized intermediate, with BP230 deficiency; Hereditary sensory and autonomic neuropathy type 6. Last evaluated: 2022-03-19. Review status: criteria provided, single submitter. Criteria: Invitae Variant Classification Sherloc (09022015). Collection method: clinical testing. Allele origin: germline.
Comment: This sequence change replaces arginine, which is basic and polar, with cysteine, which is neutral and slightly polar, at codon 1697 of the DST protein (p.Arg1697Cys). This variant is present in population databases (rs762686142, gnomAD 0.005%). This variant has not been reported in the literature in individuals affected with DST-related conditions. Algorithms developed to predict the effect of missense changes on protein structure and function are either unavailable or do not agree on the potential impact of this missense change (SIFT: "Deleterious"; PolyPhen-2: "Benign"; Align-GVGD: "Class C55"). In summary, the available evidence is currently insufficient to determine the role of this variant in disease. Therefore, it has been classified as a Variant of Uncertain Significance.